The following is an entry in ClinVar:

ClinVar aggregate classification (germline): Uncertain significance (1 of 4 stars; one submission).

Allele frequency attached by ClinVar (database versions not stated): gnomAD exomes below 0.00001.
gnomAD v4.1: 3 of 1,609,266 alleles (0.00019%); highest among the groups gnomAD compares: Non-Finnish European, 0.00025%; no homozygotes.

Submission:

Labcorp Genetics (formerly Invitae), Labcorp
Classification: Uncertain significance. Last evaluated: 2024-10-29. Review status: criteria provided, single submitter. Criteria: Invitae Variant Classification Sherloc (09022015). Collection method: clinical testing. Allele origin: germline.
Comment: This sequence change replaces aspartic acid, which is acidic and polar, with glycine, which is neutral and non-polar, at codon 3648 of the ADGRV1 protein (p.Asp3648Gly). This variant is not present in population databases (gnomAD no frequency). This variant has not been reported in the literature in individuals affected with ADGRV1-related conditions. ClinVar contains an entry for this variant (Variation ID: 2073388). Invitae Evidence Modeling of protein sequence and biophysical properties (such as structural, functional, and spatial information, amino acid conservation, physicochemical variation, residue mobility, and thermodynamic stability) indicates that this missense variant is not expected to disrupt ADGRV1 protein function with a negative predictive value of 95%. In summary, the available evidence is currently insufficient to determine the role of this variant in disease. Therefore, it has been classified as a Variant of Uncertain Significance.

NM_032119.4(ADGRV1):c.10943A>G (p.Asp3648Gly)

Gene: ADGRV1 (adhesion G protein-coupled receptor V1; plus strand). Cytogenetic location: 5q14.3.
Variant type: single nucleotide variant.
Coding change: c.10943A>G on transcript NM_032119.4 (MANE Select); coding-DNA position 10943, A replaced by G.
Protein change: p.Asp3648Gly; replaces aspartic acid 3648 with glycine.
Molecular consequence: missense variant. On other transcripts: non-coding transcript variant (1).
Genome position (GRCh38, 1-based): chr5:90,745,764, A>G. VCF-style: chr5-90745764-A-G. GRCh37 (hg19) VCF-style: chr5-90041581-A-G.
Other names: short protein forms D3648G.
Identifiers: ClinVar variation 2073388 (VCV002073388.3), dbSNP rs2531547923, ClinGen allele CA360409604.
Genomic context (GRCh38, chr5:90,745,764, plus strand): 5'-CCAAAGGAGGAGCAGAGATTGGCATTAATGATTCTGTAACAATAACCATTCTGTCTAATG[A>G]TGATGCCTATGGAATTGTTGCATTTGCTCAGGTAATGATACTGAAGACCCCACACTTGCA-3'
Protein context (NP_115495.3, residues 3638-3658): DSVTITILSN[Asp3648Gly]DAYGIVAFAQ